The following is an entry in ClinVar:

ClinVar aggregate classification (germline): Uncertain significance (1 of 4 stars; one submission).

Allele frequency attached by ClinVar (database versions not stated): ExAC 0.00001.
gnomAD v4.1: 1 of 1,614,240 alleles (0.000062%); highest among the groups gnomAD compares: Non-Finnish European, 0.000085%; no homozygotes.

Submission:

Labcorp Genetics (formerly Invitae), Labcorp
Classification: Uncertain significance. Last evaluated: 2025-12-10. Review status: criteria provided, single submitter. Criteria: Invitae Variant Classification Sherloc (09022015). Collection method: clinical testing. Allele origin: germline.
Comment: This sequence change replaces histidine, which is basic and polar, with glutamine, which is neutral and polar, at codon 167 of the IRF4 protein (p.His167Gln). This variant is present in population databases (rs767166788, gnomAD 0.006%). This variant has not been reported in the literature in individuals affected with IRF4-related conditions. ClinVar contains an entry for this variant (Variation ID: 2859258). An algorithm developed to predict the effect of missense changes on protein structure and function (PolyPhen-2) suggests that this variant is likely to be tolerated. In summary, the available evidence is currently insufficient to determine the role of this variant in disease. Therefore, it has been classified as a Variant of Uncertain Significance.

NM_002460.4(IRF4):c.501C>G (p.His167Gln)

Gene: IRF4 (interferon regulatory factor 4; plus strand). Cytogenetic location: 6p25.3.
Variant type: single nucleotide variant.
Coding change: c.501C>G on transcript NM_002460.4 (MANE Select); coding-DNA position 501, C replaced by G.
Protein change: p.His167Gln; replaces histidine 167 with glutamine.
Molecular consequence: missense variant. On other transcripts: non-coding transcript variant (1).
Genome position (GRCh38, 1-based): chr6:397,116, C>G. VCF-style: chr6-397116-C-G. GRCh37 (hg19) VCF-style: chr6-397116-C-G.
Other names: c.498C>G, p.His166Gln (NM_001195286.2); short protein forms H166Q, H167Q.
Identifiers: ClinVar variation 2859258 (VCV002859258.3), dbSNP rs767166788, ClinGen allele CA3612726.